The following is an entry in ClinVar:

ClinVar aggregate classification (germline): Uncertain significance (1 of 4 stars; one submission).

Submission:

GeneDx
Classification: Uncertain significance. Last evaluated: 2022-10-28. Review status: criteria provided, single submitter. Criteria: GeneDx Variant Classification Process June 2021. Collection method: clinical testing. Allele origin: germline. Affected: yes.
Comment: Frameshift variant predicted to result in protein truncation or nonsense mediated decay in a gene or region of a gene for which loss of function is not a well-established mechanism of disease; Reported in individual with autism in published literature; however, additional clinical information was not provided (Kosmicki et al., 2017); Not observed at significant frequency in large population cohorts (gnomAD); This variant is associated with the following publications: (PMID: 28191890)

NM_006267.5(RANBP2):c.806_807del (p.Val269fs)

Gene: RANBP2 (RAN binding protein 2; plus strand). Cytogenetic location: 2q13.
Variant type: Microsatellite.
Coding change: c.806_807del on transcript NM_006267.5 (MANE Select); coding-DNA positions 806 to 807, 2 bases deleted (TG; older notation c.806_807delTG).
Protein change: p.Val269fs; shifts the reading frame from valine 269.
Molecular consequence: frameshift variant.
Genome position (GRCh38, 1-based): chr2:108,740,512-108,740,513, TG deleted; deleting any 2 consecutive bases within chr2:108,740,510-108,740,513 gives the same sequence; the c. name uses the placement nearest the transcript's 3' end. VCF-style (leftmost placement, unchanged base first): chr2-108740509-CTG-C. GRCh37 (hg19) VCF-style: chr2-109356965-CTG-C.
Other names: c.806_807del, p.Val269fs (NM_001415871.1, NM_001415873.1); c.803_804del, p.Val268fs (NM_001415872.1); short protein forms V268fs, V269fs.
Identifiers: ClinVar variation 2500541 (VCV002500541.1), dbSNP rs1695994911, ClinGen allele CA1278280015.